The following is an entry in ClinVar:

ClinVar aggregate classification (germline): Benign (1 of 4 stars; one submission).

Allele frequency attached by ClinVar (database versions not stated): gnomAD exomes 0.72178; gnomAD 0.78947 and 0.79380; 1000 Genomes Project 30x 0.81512.

Submission:

GeneDx
Classification: Benign. Last evaluated: 2018-06-14. Review status: criteria provided, single submitter. Criteria: GeneDx Variant Classification (06012015). Collection method: clinical testing. Allele origin: germline. Affected: yes.
Comment: This variant is considered likely benign or benign based on one or more of the following criteria: it is a conservative change, it occurs at a poorly conserved position in the protein, it is predicted to be benign by multiple in silico algorithms, and/or has population frequency not consistent with disease.

NM_015915.5(ATL1):c.1552-103_1552-102insTTCTT

Gene: ATL1 (atlastin GTPase 1; plus strand). Cytogenetic location: 14q22.1.
Variant type: Insertion.
Coding change: c.1552-103_1552-102insTTCTT on transcript NM_015915.5 (MANE Select); 103 bases into the intron before coding-DNA position 1552 through 102 bases into the intron before coding-DNA position 1552, TTCTT inserted.
Molecular consequence: intron variant.
Genome position: GRCh38 VCF-style: chr14-50629892-G-GTTCTT. GRCh37 (hg19) VCF-style: chr14-51096610-G-GTTCTT.
Other names: c.1551+1430_1551+1431insTTCTT (NM_001127713.1, NM_181598.4).
Identifiers: ClinVar variation 670501 (VCV000670501.1), dbSNP rs3080579, ClinGen allele CA260796163.